The following is an entry in ClinVar:

NM_015450.3(POT1):c.1213_1233dup (p.Ala405_Val411dup)

Gene: POT1 (protection of telomeres 1; minus strand). Cytogenetic location: 7q31.33.
Variant type: Duplication.
Coding change: c.1213_1233dup on transcript NM_015450.3 (MANE Select); coding-DNA positions 1213 to 1233, 21 bases duplicated (GCAACTAAAACCCCAGATGTC).
Protein change: p.Ala405_Val411dup.
Molecular consequence: inframe insertion. On other transcripts: non-coding transcript variant (3).
Genome position (GRCh38, 1-based): chr7:124,841,109-124,841,129, GACATCTGGGGTTTTAGTTGC duplicated on the plus strand (GCAACTAAAACCCCAGATGTC on the coding strand, the reverse complement: POT1 is on the minus strand). VCF-style (leftmost placement, unchanged base first): chr7-124841108-T-TGACATCTGGGGTTTTAGTTGC. GRCh37 (hg19) VCF-style: chr7-124481162-T-TGACATCTGGGGTTTTAGTTGC.
Other names: c.1213_1233dupGCAACTAAAACCCCAGATGTC (NM_015450.2); c.820_840dup, p.Ala274_Val280dup (NM_001042594.2).
Identifiers: ClinVar variation 1011141 (VCV001011141.12), dbSNP rs1795017954, ClinGen allele CA1740701626.

ClinVar aggregate classification (germline): Uncertain significance. Review status: criteria provided, multiple submitters, no conflicts (2 of 4 stars). 2 submissions from 2 submitters: Uncertain significance (2). Last evaluated 2025-06-09.

Conditions:
Hereditary cancer-predisposing syndrome. Also called: Neoplastic Syndromes, Hereditary; Hereditary Cancer Syndrome; Hereditary neoplastic syndrome; Tumor predisposition. Identifiers: Orphanet 140162, MedGen C0027672, MeSH D009386, MONDO:0015356.
Tumor predisposition syndrome 3 (TPDS3). Also called: Glioma susceptibility 9; LONG TELOMERE SYNDROME, POT1-RELATED; POT1 Tumor Predisposition; Melanoma, cutaneous malignant, susceptibility to, 10. Identifiers: Orphanet 618, MedGen C4014476, MONDO:0014368, OMIM 615848.

Allele frequency attached by ClinVar (database versions not stated): gnomAD exomes below 0.00001.

Submissions (2):

Ambry Genetics
Classification: Uncertain significance for Hereditary cancer-predisposing syndrome. Last evaluated: 2025-06-09. Review status: criteria provided, single submitter. Criteria: Ambry Variant Classification Scheme 2023. Collection method: clinical testing. Allele origin: germline.
Comment: The c.1213_1233dup21 variant (also known as p.A405_V411dup), located in coding exon 10 of the POT1 gene, results from an in-frame duplication of 21 nucleotides at nucleotide positions 1213 to 1233. This results in the duplication of 7 extra residues (ATKTPDV) between codons 405 and 411. This amino acid region is not well conserved in available vertebrate species. In addition, the in silico prediction for this variant is inconclusive (Choi Y et al. PLoS ONE. 2012; 7(10):e46688). Based on the available evidence, the clinical significance of this variant remains unclear.

Labcorp Genetics (formerly Invitae), Labcorp
Classification: Uncertain significance for Tumor predisposition syndrome 3. Last evaluated: 2025-03-03. Review status: criteria provided, single submitter. Criteria: Invitae Variant Classification Sherloc (09022015). Collection method: clinical testing. Allele origin: germline.
Comment: This variant, c.1213_1233dup, results in the insertion of 7 amino acid(s) of the POT1 protein (p.Ala405_Val411dup), but otherwise preserves the integrity of the reading frame. This variant is not present in population databases (gnomAD no frequency). This variant has not been reported in the literature in individuals affected with POT1-related conditions. ClinVar contains an entry for this variant (Variation ID: 1011141). Experimental studies and prediction algorithms are not available or were not evaluated, and the functional significance of this variant is currently unknown. In summary, the available evidence is currently insufficient to determine the role of this variant in disease. Therefore, it has been classified as a Variant of Uncertain Significance.